The following is an entry in ClinVar:

ClinVar aggregate classification (germline): Uncertain significance (1 of 4 stars; one submission).

Conditions:
Cardiovascular phenotype. Identifiers: MedGen CN230736.
Hereditary cancer-predisposing syndrome. Also called: Tumor predisposition; Neoplastic Syndromes, Hereditary; Hereditary neoplastic syndrome; Hereditary Cancer Syndrome. Identifiers: Orphanet 140162, MedGen C0027672, MeSH D009386, MONDO:0015356.

Submission:

Ambry Genetics
Classification: Uncertain significance for Cardiovascular phenotype; Hereditary cancer-predisposing syndrome. Last evaluated: 2025-06-21. Review status: criteria provided, single submitter. Criteria: Ambry Variant Classification Scheme 2023. Collection method: clinical testing. Allele origin: germline.
Comment: The p.S142C variant (also known as c.425C>G), located in coding exon 5 of the LZTR1 gene, results from a C to G substitution at nucleotide position 425. The serine at codon 142 is replaced by cysteine, an amino acid with dissimilar properties. This amino acid position is conserved. In addition, the in silico prediction for this alteration is inconclusive. Based on the available evidence, the clinical significance of this variant remains unclear.

NM_006767.4(LZTR1):c.425C>G (p.Ser142Cys)

Gene: LZTR1 (leucine zipper like post translational regulator 1; plus strand). Cytogenetic location: 22q11.21.
Variant type: single nucleotide variant.
Coding change: c.425C>G on transcript NM_006767.4 (MANE Select); coding-DNA position 425, C replaced by G.
Protein change: p.Ser142Cys; replaces serine 142 with cysteine.
Molecular consequence: missense variant.
Genome position (GRCh38, 1-based): chr22:20,988,034, C>G. VCF-style: chr22-20988034-C-G. GRCh37 (hg19) VCF-style: chr22-21342323-C-G.
Other names: short protein forms S142C.
Identifiers: ClinVar variation 4101867 (VCV004101867.1).